The following is an entry in ClinVar:

NM_015100.4(POGZ):c.2944C>T (p.Leu982=)

Gene: POGZ (pogo transposable element derived with ZNF domain; minus strand). Cytogenetic location: 1q21.3.
Variant type: single nucleotide variant.
Coding change: c.2944C>T on transcript NM_015100.4 (MANE Select); coding-DNA position 2944, C replaced by T.
Protein change: p.Leu982=; no amino-acid change (leucine 982 retained).
Molecular consequence: synonymous variant.
Genome position (GRCh38, 1-based): chr1:151,406,091, G>A on the plus strand (C>T on the coding strand, the complement: POGZ is on the minus strand). VCF-style: chr1-151406091-G-A. GRCh37 (hg19) VCF-style: chr1-151378567-G-A.
Other names: c.2917C>T, p.Leu973= (NM_001194937.2); c.2758C>T, p.Leu920= (NM_001194938.2); c.2965C>T, p.Leu989= (NM_001410860.1); c.2659C>T, p.Leu887= (NM_145796.4); c.2785C>T, p.Leu929= (NM_207171.2).
Identifiers: ClinVar variation 2430493 (VCV002430493.1), dbSNP rs200768728, ClinGen allele CA1091032.

ClinVar aggregate classification (germline): Uncertain significance (1 of 4 stars; one submission).

Allele frequency attached by ClinVar (database versions not stated): ExAC 0.00001; gnomAD 0.00001; 1000 Genomes Project 30x 0.00016; 1000 Genomes Project 0.00020.
gnomAD v4.1: 1 of 1,614,230 alleles (0.000062%); highest among the groups gnomAD compares: Non-Finnish European, 0.000085%; no homozygotes.

Submission:

GeneDx
Classification: Uncertain significance. Last evaluated: 2022-08-23. Review status: criteria provided, single submitter. Criteria: GeneDx Variant Classification Process June 2021. Collection method: clinical testing. Allele origin: germline. Affected: yes.
Comment: In silico analysis supports that this variant does not alter splicing; Has not been previously published as pathogenic or benign to our knowledge